The following is an entry in ClinVar:

ClinVar aggregate classification (germline): Conflicting classifications of pathogenicity. Review status: criteria provided, conflicting classifications (1 of 4 stars). 4 submissions from 4 submitters: Pathogenic (1); Likely pathogenic (1); Uncertain significance (1). 1 of the submissions does not count toward it. Last evaluated 2024-08-28.

Conditions:
Desmosterolosis. Identifiers: Orphanet 35107, MedGen C1865596, MONDO:0011217, OMIM 602398.

Allele frequency attached by ClinVar (database versions not stated): gnomAD exomes below 0.00001 and 0.00001; ExAC 0.00001.
gnomAD v4.1: 2 of 1,614,202 alleles (0.00012%); highest among the groups gnomAD compares: Admixed American, 0.0033%; no homozygotes.

Submissions (4):

Women's Health and Genetics/Laboratory Corporation of America, LabCorp
Classification: Uncertain significance. Last evaluated: 2024-08-28. Review status: criteria provided, single submitter. Criteria: LabCorp Variant Classification Summary - May 2015. Collection method: clinical testing. Allele origin: germline.
Comment: Variant summary: DHCR24 c.1438G>A (p.Glu480Lys) results in a conservative amino acid change in the encoded protein sequence. Four of five in-silico tools predict a damaging effect of the variant on protein function. The variant allele was found at a frequency of 8e-06 in 250898 control chromosomes. c.1438G>A has been reported in the literature in at-least one individual affected with desmosterolosis (example: Schaaf_2011). At least one publication reports experimental evidence evaluating an impact on protein function. The most pronounced variant effect results in 10%-<30% of normal activity (Schaaf_2011). The following publication has been ascertained in the context of this evaluation (PMID: 21671375). ClinVar contains an entry for this variant (Variation ID: 30578). Based on the evidence outlined above, the variant was classified as VUS-possibly pathogenic.

GeneDx
Classification: Likely pathogenic. Last evaluated: 2021-12-16. Review status: criteria provided, single submitter. Criteria: GeneDx Variant Classification Process June 2021. Collection method: clinical testing. Allele origin: germline. Affected: yes.
Comment: Published functional studies demonstrate this variant results in significantly decreased enzymatic activity (Schaaf et al., 2011); In silico analysis supports that this missense variant has a deleterious effect on protein structure/function; This variant is associated with the following publications: (PMID: 25525159, 25122065, 24095826, 21671375)

Clinical Genetics Service, Universitary Hospital 12 de Octubre
Classification: Pathogenic for Desmosterolosis. Review status: criteria provided, single submitter. Criteria: ACMG Guidelines, 2015. Collection method: clinical testing. Allele origin: maternal. Affected: yes.

OMIM
Classification: Pathogenic for DESMOSTEROLOSIS. Last evaluated: 2011-07-01. Review status: no assertion criteria provided. Collection method: literature only. Allele origin: germline. Not counted in ClinVar's aggregate classification.

Literature cited by the submitters: PubMed 21671375 (cited by Women's Health and Genetics/Laboratory Corporation of America, LabCorp and OMIM).

NM_014762.4(DHCR24):c.1438G>A (p.Glu480Lys)

Gene: DHCR24 (24-dehydrocholesterol reductase; minus strand). Cytogenetic location: 1p32.3.
Variant type: single nucleotide variant.
Coding change: c.1438G>A on transcript NM_014762.4 (MANE Select); coding-DNA position 1438, G replaced by A.
Protein change: p.Glu480Lys; replaces glutamic acid 480 with lysine.
Molecular consequence: missense variant.
Genome position (GRCh38, 1-based): chr1:54,852,346, C>T on the plus strand (G>A on the coding strand, the complement: DHCR24 is on the minus strand). VCF-style: chr1-54852346-C-T. GRCh37 (hg19) VCF-style: chr1-55318019-C-T.
Other names: short protein forms E480K.
Identifiers: ClinVar variation 30578 (VCV000030578.5), dbSNP rs387906940, ClinGen allele CA129350.